The following is an entry in ClinVar:

NM_001458.5(FLNC):c.1348G>A (p.Val450Met)

Gene: FLNC (filamin C; plus strand). Cytogenetic location: 7q32.1.
Variant type: single nucleotide variant.
Coding change: c.1348G>A on transcript NM_001458.5 (MANE Select); coding-DNA position 1348, G replaced by A.
Protein change: p.Val450Met; replaces valine 450 with methionine.
Molecular consequence: missense variant.
Genome position (GRCh38, 1-based): chr7:128,838,740, G>A. VCF-style: chr7-128838740-G-A. GRCh37 (hg19) VCF-style: chr7-128478794-G-A.
Other names: c.1348G>A, p.Val450Met (NM_001127487.2); short protein forms V450M.
Identifiers: ClinVar variation 471969 (VCV000471969.13), dbSNP rs747550431, ClinGen allele CA4474305.

ClinVar aggregate classification (germline): Conflicting classifications of pathogenicity. Review status: criteria provided, conflicting classifications (1 of 4 stars). 4 submissions from 4 submitters: Uncertain significance (1); Likely benign (3). Last evaluated 2026-01-07.

Conditions:
Cardiovascular phenotype. Identifiers: MedGen CN230736.
Distal myopathy with posterior leg and anterior hand involvement. Also called: WILLIAMS DISTAL MYOPATHY. Identifiers: Orphanet 63273, MedGen C3279722, MONDO:0013550, OMIM 614065.
Myofibrillar myopathy 5. Also called: Filaminopathy (type); FILAMINOPATHY, AUTOSOMAL DOMINANT. Identifiers: Orphanet 171445, MedGen C1836050, MONDO:0012289, OMIM 609524.
Hypertrophic cardiomyopathy 26. Also called: Cardiomyopathy, familial hypertrophic, 26. Identifiers: Orphanet 75249, MedGen C4310749, MONDO:0014883, OMIM 617047.

Allele frequency attached by ClinVar (database versions not stated): ExAC 0.00001; gnomAD 0.00003; gnomAD exomes 0.00003 and 0.00004; TOPMed 0.00005; 1000 Genomes Project 30x 0.00016.
gnomAD v4.1: 44 of 1,613,006 alleles (0.0027%); highest among the groups gnomAD compares: Middle Eastern, 0.033%; no homozygotes.

Submissions (4):

Labcorp Genetics (formerly Invitae), Labcorp
Classification: Likely benign for Distal myopathy with posterior leg and anterior hand involvement; Myofibrillar myopathy 5; Hypertrophic cardiomyopathy 26. Last evaluated: 2026-01-07. Review status: criteria provided, single submitter. Criteria: Invitae Variant Classification Sherloc (09022015). Collection method: clinical testing. Allele origin: germline.

Women's Health and Genetics/Laboratory Corporation of America, LabCorp
Classification: Likely benign. Last evaluated: 2025-11-24. Review status: criteria provided, single submitter. Criteria: LabCorp Variant Classification Summary - May 2015. Collection method: clinical testing. Allele origin: germline.
Comment: Variant summary: FLNC c.1348G>A (p.Val450Met) results in a conservative amino acid change in the encoded protein sequence. Algorithms developed to predict the effect of missense changes on protein structure and function are either unavailable or do not agree on the potential impact of this missense change. The variant allele was found at a frequency of 3.6e-05 in 279896 control chromosomes. The observed variant frequency exceeds the estimated maximal expected allele frequency for disease-causing variants in FLNC. To our knowledge, no occurrence of c.1348G>A in individuals affected with FLNC-related conditions and no experimental evidence demonstrating its impact on protein function have been reported. ClinVar contains an entry for this variant (Variation ID: 471969). Based on the evidence outlined above, the variant was classified as likely benign.

Molecular Diagnostic Laboratory for Inherited Cardiovascular Disease, Montreal Heart Institute
Classification: Uncertain significance for Cardiovascular phenotype. Last evaluated: 2025-04-09. Review status: criteria provided, single submitter. Criteria: ACMG Guidelines, 2015. Collection method: clinical testing. Allele origin: germline. Affected: yes.
Comment: PS4_supp, BP6

Ambry Genetics
Classification: Likely benign for Cardiovascular phenotype. Last evaluated: 2021-09-23. Review status: criteria provided, single submitter. Criteria: Ambry Variant Classification Scheme 2023. Collection method: clinical testing. Allele origin: germline.